The following is an entry in ClinVar:

NM_000179.3(MSH6):c.843_847dup (p.Gly283fs)

Gene: MSH6 (mutS homolog 6; plus strand). Cytogenetic location: 2p16.3.
Variant type: Microsatellite.
Coding change: c.843_847dup on transcript NM_000179.3 (MANE Select); coding-DNA positions 843 to 847, 5 bases duplicated (AGTGG; older notation c.843_847dupAGTGG).
Protein change: p.Gly283fs; shifts the reading frame from glycine 283.
Molecular consequence: frameshift variant. On other transcripts: 5 prime UTR variant (2).
Genome position (GRCh38, 1-based): chr2:47,798,826-47,798,830, AGTGG duplicated; duplicating any 5 consecutive bases within chr2:47,798,821-47,798,830 gives the same sequence; the c. name uses the placement nearest the transcript's 3' end. VCF-style (leftmost placement, unchanged base first): chr2-47798820-C-CAGTGG. GRCh37 (hg19) VCF-style: chr2-48025959-C-CAGTGG.
Other names: c.453_457dup, p.Gly153fs (NM_001281492.2); c.-69AGTGG[3] (NM_001281493.2, NM_001281494.2); short protein forms G283fs, G153fs.
Identifiers: ClinVar variation 428314 (VCV000428314.6), dbSNP rs1114167708, ClinGen allele CA645369245.
Genomic context (GRCh38, chr2:47,798,820, plus strand): 5'-TGGCTCTGATGTGGAATTTAAGCCAGACACTAAGGAGGAAGGAAGCAGTGATGAAATAAG[C>CAGTGG]AGTGGAGTGGGGGATAGTGAGAGTGAAGGCCTGAACAGCCCTGTCAAAGTTGCTCGAAAG-3'

ClinVar aggregate classification (germline): Pathogenic. Review status: criteria provided, multiple submitters, no conflicts (2 of 4 stars). 2 submissions from 2 submitters: Pathogenic (2). Last evaluated 2023-08-10.

Conditions:
Hereditary cancer-predisposing syndrome. Also called: Hereditary Cancer Syndrome; Neoplastic Syndromes, Hereditary; Hereditary neoplastic syndrome; Tumor predisposition. Identifiers: Orphanet 140162, MedGen C0027672, MeSH D009386, MONDO:0015356.
Lynch syndrome 5 (LYNCH5). Also called: Hereditary non-polyposis colorectal cancer, type 5; Colorectal cancer, hereditary nonpolyposis, type 5. Identifiers: Orphanet 144, MedGen C1833477, MONDO:0013710, OMIM 614350. Disease mechanism: loss of function.

Submissions (2):

Myriad Genetics, Inc.
Classification: Pathogenic for Lynch syndrome 5. Last evaluated: 2023-08-10. Review status: criteria provided, single submitter. Criteria: Myriad Autosomal Dominant, Autosomal Recessive and X-Linked Classification Criteria (2023). Collection method: clinical testing. Allele origin: unknown.
Comment: This variant is considered pathogenic. This variant creates a frameshift predicted to result in premature protein truncation.

Ambry Genetics
Classification: Pathogenic for Hereditary cancer-predisposing syndrome. Last evaluated: 2015-08-06. Review status: criteria provided, single submitter. Criteria: Ambry Variant Classification Scheme 2023. Collection method: clinical testing. Allele origin: germline.
Comment: The c.843_847dupAGTGG pathogenic mutation, located in coding exon 4 of the MSH6 gene, results from a duplication of AGTGG at nucleotide position 843, causing a translational frameshift with a predicted alternate stop codon. Since frameshifts are typically deleterious in nature, this alteration is interpreted as a disease-causing mutation (ACMG Recommendations for Standards for Interpretation and Reporting of Sequence Variations. Revision 2007. Genet Med. 2008;10:294).